The following is an entry in ClinVar:

NM_016507.4(CDK12):c.920G>A (p.Arg307Lys)

Genes: CDK12 (cyclin dependent kinase 12; plus strand), LOC126862553 (CDK7 strongly-dependent group 2 enhancer GRCh37_chr17:37618166-37619365; plus strand). Cytogenetic location: 17q12.
Variant type: single nucleotide variant.
Coding change: c.920G>A on transcript NM_016507.4 (MANE Select); coding-DNA position 920, G replaced by A.
Protein change: p.Arg307Lys; replaces arginine 307 with lysine.
Molecular consequence: missense variant.
Genome position (GRCh38, 1-based): chr17:39,462,991, G>A. VCF-style: chr17-39462991-G-A. GRCh37 (hg19) VCF-style: chr17-37619244-G-A.
Other names: c.920G>A, p.Arg307Lys (NM_015083.4); short protein forms R307K.
Identifiers: ClinVar variation 3830517 (VCV003830517.1).

ClinVar aggregate classification (germline): Uncertain significance (1 of 4 stars; one submission).

Submission:

Ambry Genetics
Classification: Uncertain significance. Last evaluated: 2025-01-17. Review status: criteria provided, single submitter. Criteria: Ambry Variant Classification Scheme 2023. Collection method: clinical testing. Allele origin: germline.
Comment: The p.R307K variant (also known as c.920G>A), located in coding exon 1 of the CDK12 gene, results from a G to A substitution at nucleotide position 920. The arginine at codon 307 is replaced by lysine, an amino acid with highly similar properties. This amino acid position is conserved. In addition, this alteration is predicted to be tolerated by in silico analysis. Based on the available evidence, the clinical significance of this variant remains unclear.